The following is an entry in ClinVar:

ClinVar aggregate classification (germline): Conflicting classifications of pathogenicity. Review status: criteria provided, conflicting classifications (1 of 4 stars). 4 submissions from 4 submitters: Uncertain significance (1); Benign (1); Likely benign (1). 1 of the submissions does not count toward it. Last evaluated 2026-01-28.

Conditions:
ABCC2-related disorder. Also called: ABCC2-related condition.

Allele frequency attached by ClinVar (database versions not stated): gnomAD 0.00002 and 0.00003; gnomAD exomes 0.00007 and 0.00020; TOPMed 0.00016; ExAC 0.00021.
gnomAD v4.1: 113 of 1,614,090 alleles (0.007%); highest among the groups gnomAD compares: East Asian, 0.18%; 1 homozygote.

Submissions (4):

Labcorp Genetics (formerly Invitae), Labcorp
Classification: Benign. Last evaluated: 2026-01-28. Review status: criteria provided, single submitter. Criteria: Invitae Variant Classification Sherloc (09022015). Collection method: clinical testing. Allele origin: germline.

Mayo Clinic Laboratories, Mayo Clinic
Classification: Likely benign. Last evaluated: 2025-08-13. Review status: criteria provided, single submitter. Criteria: ACMG Guidelines, 2015. Collection method: clinical testing. Allele origin: germline. Observed: 1 variant allele.
Comment: BS1, BP4, BP7

Eurofins Ntd Llc (ga)
Classification: Uncertain significance. Last evaluated: 2016-12-06. Review status: criteria provided, single submitter. Criteria: EGL Classification Definitions 2015. Collection method: clinical testing. Allele origin: germline. Observed: 1 variant allele, 1 heterozygote.

PreventionGenetics, part of Exact Sciences
Classification: Likely benign for ABCC2-related condition. Last evaluated: 2024-06-18. Review status: no assertion criteria provided. Collection method: clinical testing. Allele origin: germline. Not counted in ClinVar's aggregate classification.
Comment: This variant is classified as likely benign based on ACMG/AMP sequence variant interpretation guidelines (Richards et al. 2015 PMID: 25741868, with internal and published modifications).

NM_000392.5(ABCC2):c.3927C>T (p.Tyr1309=)

Gene: ABCC2 (ATP binding cassette subfamily C member 2; plus strand). Cytogenetic location: 10q24.2.
Variant type: single nucleotide variant.
Coding change: c.3927C>T on transcript NM_000392.5 (MANE Select); coding-DNA position 3927, C replaced by T.
Protein change: p.Tyr1309=; no amino-acid change (tyrosine 1309 retained).
Molecular consequence: synonymous variant.
Genome position (GRCh38, 1-based): chr10:99,844,405, C>T. VCF-style: chr10-99844405-C-T. GRCh37 (hg19) VCF-style: chr10-101604162-C-T.
Other names: p.Tyr1309=; c.3927C>T (NM_000392.4); c.3927C>T, p.Tyr1309= (LRG_1208t1).
Identifiers: ClinVar variation 499106 (VCV000499106.10), dbSNP rs4148401, ClinGen allele CA5643987.
Genomic context (GRCh38, chr10:99,844,405, plus strand): 5'-GCCTCCGCCAGATTGGCCCAGCAAAGGCAAGATCCAGTTTAACAACTACCAAGTGCGGTA[C>T]CGACCTGAGCTGGATCTGGTCCTCAGAGGGATCACTTGTGACATCGGTAGCATGGAGAAG-3'
Protein context (NP_000383.2, residues 1299-1319): KIQFNNYQVR[Tyr1309=]RPELDLVLRG